The following is an entry in ClinVar:

NM_152564.5(VPS13B):c.11489del (p.Tyr3830fs)

Gene: VPS13B (vacuolar protein sorting 13 homolog B; plus strand). Cytogenetic location: 8q22.2.
Variant type: Deletion.
Coding change: c.11489del on transcript NM_152564.5 (MANE Select); coding-DNA position 11489, one base deleted (A; older notation c.11489delA).
Protein change: p.Tyr3830fs; shifts the reading frame from tyrosine 3830.
Molecular consequence: frameshift variant.
Genome position (GRCh38, 1-based): chr8:99,870,881, A deleted. VCF-style (leftmost placement, unchanged base first): chr8-99870880-TA-T. GRCh37 (hg19) VCF-style: chr8-100883108-TA-T.
Other names: 1-BP DEL, 11564A; c.11564del, p.Tyr3855fs (NM_017890.5); c.11564delA (NM_017890.4); short protein forms Y3855fs, Y3830fs.
Identifiers: ClinVar variation 56638 (VCV000056638.3), dbSNP rs386834064, ClinGen allele CA264015.
Genomic context (GRCh38, chr8:99,870,880, plus strand): 5'-AAACAGCGCCATCAGCCAAGTGATCTACATGCTGACCAGGCTCCAAACAGCCATGTCAAA[TA>T]TGTCTGGTAAAATTATTGAGATACGTGCTCAACTTTACATCCATATTGTATGTTAATAGC-3'

ClinVar aggregate classification (germline): Pathogenic/Likely pathogenic. Review status: no assertion criteria provided (0 of 4 stars). 2 submissions from 2 submitters: Pathogenic (1); Likely pathogenic (1). Last evaluated 2010-10-01.

Conditions:
Cohen syndrome (COH1). Also called: PEPPER SYNDROME; Cutis verticis gyrata, retinitis pigmentosa, and sensorineural deafness. Identifiers: Orphanet 193, MedGen C0265223, MONDO:0008999, OMIM 216550.

Submissions (2):

OMIM
Classification: Pathogenic for COHEN SYNDROME. Last evaluated: 2010-10-01. Review status: no assertion criteria provided. Collection method: literature only. Allele origin: germline.

Juha Muilu Group; Institute for Molecular Medicine Finland (FIMM)
Classification: Likely pathogenic for Cohen syndrome. Review status: no assertion criteria provided. Collection method: not provided. Allele origin: unknown.
Comment: FinDis database variant: This variant was not found or characterized by our laboratory, data were collected from public sources: see reference
ClinVar note: Converted during submission from probable-pathogenic to Likely pathogenic.

Literature cited by the submitters: PubMed 17990063 (cited by OMIM); PubMed 20461111 (cited by OMIM).